The following is an entry in ClinVar:

ClinVar aggregate classification (germline): Uncertain significance (1 of 4 stars; one submission).

Conditions:
Autosomal dominant nonsyndromic hearing loss 1. Also called: KONIGSMARK SYNDROME; DEAFNESS, AUTOSOMAL DOMINANT 1, WITH OR WITHOUT THROMBOCYTOPENIA. Identifiers: Orphanet 90635, MedGen C1852282, MONDO:0007424, OMIM 124900.
Progressive microcephaly-seizures-cortical blindness-developmental delay syndrome. Also called: Seizures, cortical blindness, and microcephaly syndrome. Identifiers: Orphanet 477814, MedGen C5567650, MONDO:0014714, OMIM 616632.

Allele frequency attached by ClinVar (database versions not stated): gnomAD exomes below 0.00001 and 0.00002; ExAC 0.00001; gnomAD 0.00003; TOPMed 0.00004; ESP Exome Variant Server 0.00008.
gnomAD v4.1: 39 of 1,614,130 alleles (0.0024%); highest among the groups gnomAD compares: Non-Finnish European, 0.0031%; no homozygotes.

Submission:

Labcorp Genetics (formerly Invitae), Labcorp
Classification: Uncertain significance for Progressive microcephaly-seizures-cortical blindness-developmental delay syndrome; Autosomal dominant nonsyndromic hearing loss 1. Last evaluated: 2024-07-19. Review status: criteria provided, single submitter. Criteria: Invitae Variant Classification Sherloc (09022015). Collection method: clinical testing. Allele origin: germline.
Comment: This sequence change replaces glycine, which is neutral and non-polar, with alanine, which is neutral and non-polar, at codon 187 of the DIAPH1 protein (p.Gly187Ala). This variant is present in population databases (rs376465188, gnomAD 0.0008%). This variant has not been reported in the literature in individuals affected with DIAPH1-related conditions. ClinVar contains an entry for this variant (Variation ID: 1450441). Experimental studies and prediction algorithms are not available or were not evaluated, and the functional significance of this variant is currently unknown. In summary, the available evidence is currently insufficient to determine the role of this variant in disease. Therefore, it has been classified as a Variant of Uncertain Significance.

NM_005219.5(DIAPH1):c.560G>C (p.Gly187Ala)

Gene: DIAPH1 (diaphanous related formin 1; minus strand). Cytogenetic location: 5q31.3.
Variant type: single nucleotide variant.
Coding change: c.560G>C on transcript NM_005219.5 (MANE Select); coding-DNA position 560, G replaced by C.
Protein change: p.Gly187Ala; replaces glycine 187 with alanine.
Molecular consequence: missense variant.
Genome position (GRCh38, 1-based): chr5:141,583,266, C>G on the plus strand (G>C on the coding strand, the complement: DIAPH1 is on the minus strand). VCF-style: chr5-141583266-C-G. GRCh37 (hg19) VCF-style: chr5-140962833-C-G.
Other names: c.533G>C, p.Gly178Ala (NM_001079812.3); c.560G>C, p.Gly187Ala (NM_001314007.2); short protein forms G178A, G187A.
Identifiers: ClinVar variation 1450441 (VCV001450441.11), dbSNP rs376465188, ClinGen allele CA3479567.